The following is an entry in ClinVar:

NM_001018115.3(FANCD2):c.259C>G (p.Pro87Ala)

Genes: FANCD2 (FA complementation group D2; plus strand), LOC107303338 (3p25 FANCD2 Alu-mediated recombination region; plus strand). Cytogenetic location: 3p25.3.
Variant type: single nucleotide variant.
Coding change: c.259C>G on transcript NM_001018115.3 (MANE Select); coding-DNA position 259, C replaced by G.
Protein change: p.Pro87Ala; replaces proline 87 with alanine.
Molecular consequence: missense variant.
Genome position (GRCh38, 1-based): chr3:10,034,522, C>G. VCF-style: chr3-10034522-C-G. GRCh37 (hg19) VCF-style: chr3-10076206-C-G.
Other names: c.259C>G, p.Pro87Ala (NM_001319984.2, NM_001374253.1, NM_001374254.1 and 2 more transcripts); short protein forms P87A.
Identifiers: ClinVar variation 1985352 (VCV001985352.1), dbSNP rs2470717989, ClinGen allele CA351720318.
Genomic context (GRCh38, chr3:10,034,522, plus strand): 5'-TGCATAGCTGTGGATCAAATAGCTTTCCAAAAGAAGCTCTTTCAGACCCTGAGGAGACAC[C>G]CTTCCTATCCCAAAGTATGTATTTTTCCCCTGGTATTTTTGCTTGTGCCAGCATAACTCT-3'
Protein context (NP_001018125.1, residues 77-97): KKLFQTLRRH[Pro87Ala]SYPKIIEEFV

ClinVar aggregate classification (germline): Uncertain significance (1 of 4 stars; one submission).

Conditions:
Fanconi anemia (FA). Also called: Fanconi's anemia. Identifiers: Orphanet 84, MedGen C0015625, MeSH D005199, MONDO:0019391.

gnomAD v4.1: 1 of 1,610,298 alleles (0.000062%); highest among the groups gnomAD compares: East Asian, 0.0022%; no homozygotes.

Submission:

Labcorp Genetics (formerly Invitae), Labcorp
Classification: Uncertain significance for Fanconi anemia. Last evaluated: 2022-08-22. Review status: criteria provided, single submitter. Criteria: Invitae Variant Classification Sherloc (09022015). Collection method: clinical testing. Allele origin: germline.
Comment: This sequence change replaces proline, which is neutral and non-polar, with alanine, which is neutral and non-polar, at codon 87 of the FANCD2 protein (p.Pro87Ala). This variant is not present in population databases (gnomAD no frequency). This variant has not been reported in the literature in individuals affected with FANCD2-related conditions. Algorithms developed to predict the effect of missense changes on protein structure and function are either unavailable or do not agree on the potential impact of this missense change (SIFT: "Tolerated"; PolyPhen-2: "Possibly Damaging"; Align-GVGD: "Class C0"). In summary, the available evidence is currently insufficient to determine the role of this variant in disease. Therefore, it has been classified as a Variant of Uncertain Significance.